The following is an entry in ClinVar:

NM_017763.6(RNF43):c.833A>T (p.Glu278Val)

Gene: RNF43 (ring finger protein 43; minus strand). Cytogenetic location: 17q22.
Variant type: single nucleotide variant.
Coding change: c.833A>T on transcript NM_017763.6 (MANE Select); coding-DNA position 833, A replaced by T.
Protein change: p.Glu278Val; replaces glutamic acid 278 with valine.
Molecular consequence: missense variant.
Genome position (GRCh38, 1-based): chr17:58,360,799, T>A on the plus strand (A>T on the coding strand, the complement: RNF43 is on the minus strand). VCF-style: chr17-58360799-T-A. GRCh37 (hg19) VCF-style: chr17-56438160-T-A.
Other names: c.833A>T (NM_017763.4); c.833A>T, p.Glu278Val (NM_001305544.3); c.452A>T, p.Glu151Val (NM_001305545.2); short protein forms E151V, E278V.
Identifiers: ClinVar variation 960864 (VCV000960864.10), dbSNP rs772730824, ClinGen allele CA8673298.
Genomic context (GRCh38, chr17:58,360,799, plus strand): 5'-CTCCCCAGTCTGGTCATGGAGGTGAACCACAAGACCTGCCTTACCTGCCCCTCAGAGAAC[T>A]CCTCCAGACAGATGGCACACACAGGGGCTGAGCTGCAGCTGCTCCCTGAGTCTGGCCACT-3'
Protein context (NP_060233.3, residues 268-288): SAPVCAICLE[Glu278Val]FSEGQELRVI

ClinVar aggregate classification (germline): Uncertain significance. Review status: criteria provided, multiple submitters, no conflicts (2 of 4 stars). 4 submissions from 4 submitters: Uncertain significance (4). Last evaluated 2025-07-21.

Conditions:
Sessile serrated polyposis cancer syndrome (SSPCS). Identifiers: Orphanet 157798, MedGen C4310714, MONDO:0014919, OMIM 617108.

Allele frequency attached by ClinVar (database versions not stated): gnomAD exomes below 0.00001 and 0.00006; ExAC 0.00001; gnomAD 0.00001; TOPMed 0.00004.
gnomAD v4.1: 84 of 1,606,574 alleles (0.0052%); highest among the groups gnomAD compares: Non-Finnish European, 0.007%; no homozygotes.

Submissions (4):

Labcorp Genetics (formerly Invitae), Labcorp
Classification: Uncertain significance. Last evaluated: 2025-07-21. Review status: criteria provided, single submitter. Criteria: Invitae Variant Classification Sherloc (09022015). Collection method: clinical testing. Allele origin: germline.
Comment: This sequence change replaces glutamic acid, which is acidic and polar, with valine, which is neutral and non-polar, at codon 278 of the RNF43 protein (p.Glu278Val). This variant is present in population databases (rs772730824, gnomAD 0.002%). This variant has not been reported in the literature in individuals affected with RNF43-related conditions. ClinVar contains an entry for this variant (Variation ID: 960864). An algorithm developed to predict the effect of missense changes on protein structure and function (PolyPhen-2) suggests that this variant is likely to be disruptive. In summary, the available evidence is currently insufficient to determine the role of this variant in disease. Therefore, it has been classified as a Variant of Uncertain Significance.

Ambry Genetics
Classification: Uncertain significance. Last evaluated: 2025-05-04. Review status: criteria provided, single submitter. Criteria: Ambry Variant Classification Scheme 2023. Collection method: clinical testing. Allele origin: germline.
Comment: The p.E278V variant (also known as c.833A>T), located in coding exon 6 of the RNF43 gene, results from an A to T substitution at nucleotide position 833. The glutamic acid at codon 278 is replaced by valine, an amino acid with dissimilar properties. This amino acid position is conserved. In addition, the in silico prediction for this alteration is inconclusive. Based on the available evidence, the clinical significance of this variant remains unclear.

GeneDx
Classification: Uncertain significance. Last evaluated: 2024-01-31. Review status: criteria provided, single submitter. Criteria: GeneDx Variant Classification Process June 2021. Collection method: clinical testing. Allele origin: germline. Affected: yes.
Comment: Not observed at significant frequency in large population cohorts (gnomAD); In silico analysis supports that this missense variant has a deleterious effect on protein structure/function; Has not been previously published as pathogenic or benign to our knowledge; Variants in candidate genes are classified as variants of uncertain significance in accordance with ACMG guidelines (PMID: 25741868)

Baylor Genetics
Classification: Uncertain significance for Sessile serrated polyposis cancer syndrome. Last evaluated: 2023-07-12. Review status: criteria provided, single submitter. Criteria: ACMG Guidelines, 2015. Collection method: clinical testing. Allele origin: unknown.